The following is an entry in ClinVar:

NC_000006.11:g.(?_65587645)_(65596716_?)del

Gene: EYS (eyes shut homolog; minus strand). Cytogenetic location: 6q12.
Variant type: Deletion.
Identifiers: ClinVar variation 3246145 (VCV003246145.1).

ClinVar aggregate classification (germline): Likely pathogenic (1 of 4 stars; one submission).

Submission:

Labcorp Genetics (formerly Invitae), Labcorp
Classification: Likely pathogenic. Last evaluated: 2023-06-27. Review status: criteria provided, single submitter. Criteria: Invitae Variant Classification Sherloc (09022015). Collection method: clinical testing. Allele origin: unknown.
Comment: In summary, the currently available evidence indicates that the variant is pathogenic, but additional data are needed to prove that conclusively. Therefore, this variant has been classified as Likely Pathogenic. This variant has not been reported in the literature in individuals affected with EYS-related conditions. This variant results in the deletion of part of exon 19 (c.2866_2992+8945delinsATAT) of the EYS gene. It is expected to disrupt RNA splicing. Variants that disrupt the donor or acceptor splice site typically lead to a loss of protein function (PMID: 16199547), and loss-of-function variants in EYS are known to be pathogenic (PMID: 18836446, 20333770).

Literature cited by the submitters: PubMed 16199547; PubMed 18836446; PubMed 20333770.